The following is an entry in ClinVar:

ClinVar aggregate classification (germline): Uncertain significance (1 of 4 stars; one submission).

Conditions:
Deficiency of galactokinase. Also called: Galactokinase deficiency with cataracts; GALACTOSEMIA II. Identifiers: Orphanet 352, Orphanet 79237, MedGen C0268155, MONDO:0009255, OMIM 230200.

Submission:

Labcorp Genetics (formerly Invitae), Labcorp
Classification: Uncertain significance for Deficiency of galactokinase. Last evaluated: 2022-03-22. Review status: criteria provided, single submitter. Criteria: Invitae Variant Classification Sherloc (09022015). Collection method: clinical testing. Allele origin: germline.
Comment: This sequence change replaces threonine, which is neutral and polar, with lysine, which is basic and polar, at codon 352 of the GALK1 protein (p.Thr352Lys). This variant is not present in population databases (gnomAD no frequency). This variant has not been reported in the literature in individuals affected with GALK1-related conditions. Algorithms developed to predict the effect of missense changes on protein structure and function are either unavailable or do not agree on the potential impact of this missense change (SIFT: "Deleterious"; PolyPhen-2: "Probably Damaging"; Align-GVGD: "Class C0"). Algorithms developed to predict the effect of sequence changes on RNA splicing suggest that this variant may create or strengthen a splice site. In summary, the available evidence is currently insufficient to determine the role of this variant in disease. Therefore, it has been classified as a Variant of Uncertain Significance.

NM_000154.2(GALK1):c.1055C>A (p.Thr352Lys)

Gene: GALK1 (galactokinase 1; minus strand). Cytogenetic location: 17q25.1.
Variant type: single nucleotide variant.
Coding change: c.1055C>A on transcript NM_000154.2 (MANE Select); coding-DNA position 1055, C replaced by A.
Protein change: p.Thr352Lys; replaces threonine 352 with lysine.
Molecular consequence: missense variant.
Genome position (GRCh38, 1-based): chr17:75,758,262, G>T on the plus strand (C>A on the coding strand, the complement: GALK1 is on the minus strand). VCF-style: chr17-75758262-G-T. GRCh37 (hg19) VCF-style: chr17-73754343-G-T.
Other names: c.1055C>A, p.Thr352Lys (NM_001381985.1); short protein forms T352K.
Identifiers: ClinVar variation 2153237 (VCV002153237.1), dbSNP rs370412722, ClinGen allele CA294087049.